The following is an entry in ClinVar:

NM_182961.4(SYNE1):c.6086A>C (p.Asn2029Thr)

Gene: SYNE1 (spectrin repeat containing nuclear envelope protein 1; minus strand). Cytogenetic location: 6q25.2.
Variant type: single nucleotide variant.
Coding change: c.6086A>C on transcript NM_182961.4 (MANE Select); coding-DNA position 6086, A replaced by C.
Protein change: p.Asn2029Thr; replaces asparagine 2029 with threonine.
Molecular consequence: missense variant.
Genome position (GRCh38, 1-based): chr6:152,413,496, T>G on the plus strand (A>C on the coding strand, the complement: SYNE1 is on the minus strand). VCF-style: chr6-152413496-T-G. GRCh37 (hg19) VCF-style: chr6-152734631-T-G.
Other names: c.6107A>C, p.Asn2036Thr (NM_033071.5); c.6107A>C (NM_033071.3); short protein forms N2029T, N2036T.
Identifiers: ClinVar variation 290561 (VCV000290561.12), dbSNP rs201522015, ClinGen allele CA10606820.
Genomic context (GRCh38, chr6:152,413,496, plus strand): 5'-TCTTTCTGGGCAATTTGCTTGGCTTTGTCTTTCAACCAACATAGTTCATGCTCGTGAGAA[T>G]TCAATTCATCTTCTAGCTGATTAAACACTCTTAACCTGTGAATTAAAATGTTATTTTCCT-3'
Protein context (NP_892006.3, residues 2019-2039): RVFNQLEDEL[Asn2029Thr]SHEHELCWLK

ClinVar aggregate classification (germline): Uncertain significance. Review status: criteria provided, multiple submitters, no conflicts (2 of 4 stars). 6 submissions from 6 submitters: Uncertain significance (6). Last evaluated 2025-08-07.

Conditions:
Limb-girdle muscular dystrophy (LGMD). Also called: Muscular Dystrophies, Limb-Girdle. Identifiers: Orphanet 263, MedGen C0686353, MeSH D049288, MONDO:0016971, HP:0006785.

Allele frequency attached by ClinVar (database versions not stated): TOPMed below 0.00001; gnomAD 0.00002.
gnomAD v4.1: 6 of 1,614,076 alleles (0.00037%); highest among the groups gnomAD compares: African/African-American, 0.0013%; no homozygotes.

Submissions (6):

GeneDx
Classification: Uncertain significance. Last evaluated: 2025-08-07. Review status: criteria provided, single submitter. Criteria: GeneDx Variant Classification Process June 2021. Collection method: clinical testing. Allele origin: germline. Affected: yes.
Comment: Not observed at significant frequency in large population cohorts (gnomAD); In silico analysis supports that this missense variant has a deleterious effect on protein structure/function; Has not been previously published as pathogenic or benign to our knowledge

Athena Diagnostics
Classification: Uncertain significance. Last evaluated: 2022-06-27. Review status: criteria provided, single submitter. Criteria: Athena Diagnostics Criteria. Collection method: clinical testing. Allele origin: unknown.

Blueprint Genetics
Classification: Uncertain significance. Last evaluated: 2021-10-28. Review status: criteria provided, single submitter. Criteria: ACMG Guidelines, 2015. Collection method: clinical testing. Allele origin: germline.

Revvity Omics, Revvity
Classification: Uncertain significance. Last evaluated: 2020-04-03. Review status: criteria provided, single submitter. Criteria: ACMG Guidelines, 2015. Collection method: clinical testing. Allele origin: germline.

Cambridge Genomics Laboratory, East Genomic Laboratory Hub, NHS Genomic Medicine Service
Classification: Uncertain significance for Limb-girdle muscular dystrophy. Last evaluated: 2019-09-03. Review status: criteria provided, single submitter. Criteria: ACGS Best Practice Guidelines for Variant Classification in Rare Disease 2020. Collection method: clinical testing. Allele origin: germline. Affected: yes. Observed: 1 variant allele.

Eurofins Ntd Llc (ga)
Classification: Uncertain significance. Last evaluated: 2016-08-31. Review status: criteria provided, single submitter. Criteria: EGL Classification Definitions 2015. Collection method: clinical testing. Allele origin: germline. Observed: 1 variant allele, 1 heterozygote.